The following is an entry in ClinVar:

NM_001457.4(FLNB):c.5326A>G (p.Ile1776Val)

Gene: FLNB (filamin B; plus strand). Cytogenetic location: 3p14.3.
Variant type: single nucleotide variant.
Coding change: c.5326A>G on transcript NM_001457.4 (MANE Select); coding-DNA position 5326, A replaced by G.
Protein change: p.Ile1776Val; replaces isoleucine 1776 with valine.
Molecular consequence: missense variant.
Genome position (GRCh38, 1-based): chr3:58,143,514, A>G. VCF-style: chr3-58143514-A-G. GRCh37 (hg19) VCF-style: chr3-58129241-A-G.
Other names: c.5419A>G, p.Ile1807Val (NM_001164317.2); c.5293A>G, p.Ile1765Val (NM_001164318.2); c.5254A>G, p.Ile1752Val (NM_001164319.2); short protein forms I1752V, I1765V, I1776V, I1807V.
Identifiers: ClinVar variation 1472594 (VCV001472594.8), dbSNP rs2097330706, ClinGen allele CA353353882.

ClinVar aggregate classification (germline): Uncertain significance (1 of 4 stars; one submission).

Allele frequency attached by ClinVar (database versions not stated): gnomAD exomes 0.00001.
gnomAD v4.1: 8 of 1,614,108 alleles (0.0005%); highest among the groups gnomAD compares: Non-Finnish European, 0.00068%; no homozygotes.

Submission:

Labcorp Genetics (formerly Invitae), Labcorp
Classification: Uncertain significance. Last evaluated: 2020-11-03. Review status: criteria provided, single submitter. Criteria: Invitae Variant Classification Sherloc (09022015). Collection method: clinical testing. Allele origin: germline.
Comment: In summary, the available evidence is currently insufficient to determine the role of this variant in disease. Therefore, it has been classified as a Variant of Uncertain Significance. Advanced modeling of protein sequence and biophysical properties (such as structural, functional, and spatial information, amino acid conservation, physicochemical variation, residue mobility, and thermodynamic stability) performed at Invitae indicates that this missense variant is not expected to disrupt FLNB protein function. This variant has not been reported in the literature in individuals with FLNB-related conditions. This variant is not present in population databases (ExAC no frequency). This sequence change replaces isoleucine with valine at codon 1776 of the FLNB protein (p.Ile1776Val). The isoleucine residue is highly conserved and there is a small physicochemical difference between isoleucine and valine.